The following is an entry in ClinVar:

ClinVar aggregate classification (germline): Uncertain significance. Review status: criteria provided, multiple submitters, no conflicts (2 of 4 stars). 2 submissions from 2 submitters: Uncertain significance (2). Last evaluated 2024-12-15.

Conditions:
Inborn genetic diseases. Identifiers: MedGen C0950123, MeSH D030342.

Allele frequency attached by ClinVar (database versions not stated): ExAC 0.00001; gnomAD 0.00001; TOPMed 0.00002; 1000 Genomes Project 0.00020; 1000 Genomes Project 30x 0.00031.

Submissions (2):

Ambry Genetics
Classification: Uncertain significance for Inborn genetic diseases. Last evaluated: 2024-12-15. Review status: criteria provided, single submitter. Criteria: Ambry Variant Classification Scheme 2023. Collection method: clinical testing. Allele origin: germline.

GeneDx
Classification: Uncertain significance. Last evaluated: 2023-05-18. Review status: criteria provided, single submitter. Criteria: GeneDx Variant Classification Process June 2021. Collection method: clinical testing. Allele origin: germline. Affected: yes.
Comment: Not observed at significant frequency in large population cohorts (gnomAD); In silico analysis supports that this missense variant does not alter protein structure/function; Has not been previously published as pathogenic or benign to our knowledge

NM_173630.4(RTTN):c.1811C>T (p.Ser604Phe)

Gene: RTTN (rotatin; minus strand). Cytogenetic location: 18q22.2.
Variant type: single nucleotide variant.
Coding change: c.1811C>T on transcript NM_173630.4 (MANE Select); coding-DNA position 1811, C replaced by T.
Protein change: p.Ser604Phe; replaces serine 604 with phenylalanine.
Molecular consequence: missense variant. On other transcripts: 5 prime UTR variant (1).
Genome position (GRCh38, 1-based): chr18:70,166,180, G>A on the plus strand (C>T on the coding strand, the complement: RTTN is on the minus strand). VCF-style: chr18-70166180-G-A. GRCh37 (hg19) VCF-style: chr18-67833416-G-A.
Other names: c.-837C>T (NM_001318520.2); short protein forms S604F.
Identifiers: ClinVar variation 2662597 (VCV002662597.2), dbSNP rs574624235, ClinGen allele CA8996072.
Genomic context (GRCh38, chr18:70,166,180, plus strand): 5'-GACAACATATGGAGAAGCACCTTCTGACTTTCTCCTTGTAGTAATGGACTGGCCTGAGCA[G>A]ATTTCCAGCTGGTGAAAAGGTAAAACAACCAAGACATGTGAGGCAAGTAAGTTAGTAAGC-3'
Protein context (NP_775901.3, residues 594-614): IISICSKIWK[Ser604Phe]AQASPLLQGE